The following is an entry in ClinVar:

NM_001042424.3(NSD2):c.154C>T (p.Gln52Ter)

Gene: NSD2 (nuclear receptor binding SET domain protein 2; plus strand). Cytogenetic location: 4p16.3.
Variant type: single nucleotide variant.
Coding change: c.154C>T on transcript NM_001042424.3 (MANE Select); coding-DNA position 154, C replaced by T.
Protein change: p.Gln52Ter; replaces glutamine 52 with a stop codon.
Molecular consequence: nonsense.
Genome position (GRCh38, 1-based): chr4:1,900,808, C>T. VCF-style: chr4-1900808-C-T. GRCh37 (hg19) VCF-style: chr4-1902535-C-T.
Other names: c.154C>T, p.Gln52Ter (NM_007331.2, NM_133330.3, NM_133331.3 and 2 more transcripts); short protein forms Q52*.
Identifiers: ClinVar variation 620386 (VCV000620386.5), dbSNP rs748707745, ClinGen allele CA2811824.
Genomic context (GRCh38, chr4:1,900,808, plus strand): 5'-AACGGGAAGACTCCGAGCTGCGAGGTGAACCGCGAGTGTTCTGTGTTCCTCAGCAAAGCC[C>T]AGCTCTCCAGTAGCCTGCAGGAGGGGGTCATGCAGAAGTTTAACGGCCACGACGCCCTGC-3'

ClinVar aggregate classification (germline): Conflicting classifications of pathogenicity. Review status: criteria provided, conflicting classifications (1 of 4 stars). 3 submissions from 3 submitters: Pathogenic (1); Uncertain significance (1). 1 of the submissions does not count toward it. Last evaluated 2024-05-28.

Conditions:
Rauch-Steindl syndrome (RAUST). Identifiers: Orphanet 659642, MedGen C5562061, MONDO:0859219, OMIM 619695.

Allele frequency attached by ClinVar (database versions not stated): gnomAD exomes below 0.00001; ExAC 0.00001.
gnomAD v4.1: 1 of 1,614,112 alleles (0.000062%); highest among the groups gnomAD compares: Non-Finnish European, 0.000085%; no homozygotes.

Submissions (3):

GeneDx
Classification: Pathogenic. Last evaluated: 2024-05-28. Review status: criteria provided, single submitter. Criteria: GeneDx Variant Classification Process June 2021. Collection method: clinical testing. Allele origin: germline. Affected: yes.
Comment: Nonsense variant predicted to result in protein truncation or nonsense mediated decay in a gene for which loss of function is a known mechanism of disease; Has not been previously published as pathogenic or benign to our knowledge

Juno Genomics, Hangzhou Juno Genomics, Inc
Classification: Uncertain significance for Rauch-Steindl syndrome. Review status: criteria provided, single submitter. Criteria: ACMG Guidelines, 2015. Collection method: clinical testing. Allele origin: germline.
Comment: Absent from controls (or at extremely low frequency if recessive) in Genome Aggregation Database.;Null variant in a gene where loss of function (LOF) is a known mechanism of disease.

Solve-RD Consortium
Classification: Likely pathogenic for Rauch-Steindl syndrome. Last evaluated: 2022-06-01. Review status: no assertion criteria provided. Collection method: provider interpretation. Allele origin: inherited. Affected: yes. Not counted in ClinVar's aggregate classification.
Comment: Variant confirmed as disease-causing by referring clinical team

Variant identified during reanalysis of unsolved cases by the Solve-RD project. The Solve-RD project has received funding from the European Union’s Horizon 2020 research and innovation programme under grant agreement No 779257.

Literature cited by the submitters: PubMed 39825153 (cited by Solve-RD Consortium).